The following is an entry in ClinVar:

NM_001853.4(COL9A3):c.889A>C (p.Ser297Arg)

Gene: COL9A3 (collagen type IX alpha 3 chain; plus strand). Cytogenetic location: 20q13.33.
Variant type: single nucleotide variant.
Coding change: c.889A>C on transcript NM_001853.4 (MANE Select); coding-DNA position 889, A replaced by C.
Protein change: p.Ser297Arg; replaces serine 297 with arginine.
Molecular consequence: missense variant.
Genome position (GRCh38, 1-based): chr20:62,827,965, A>C. VCF-style: chr20-62827965-A-C. GRCh37 (hg19) VCF-style: chr20-61459317-A-C.
Other names: short protein forms S297R.
Identifiers: ClinVar variation 1686597 (VCV001686597.6), dbSNP rs2063567563, ClinGen allele CA409592779.

ClinVar aggregate classification (germline): Uncertain significance. Review status: criteria provided, multiple submitters, no conflicts (2 of 4 stars). 2 submissions from 2 submitters: Uncertain significance (2). Last evaluated 2022-05-04.

Allele frequency attached by ClinVar (database versions not stated): gnomAD exomes below 0.00001.
gnomAD v4.1: 1 of 1,612,938 alleles (0.000062%); highest among the groups gnomAD compares: East Asian, 0.0022%; no homozygotes.

Submissions (2):

Mendelics
Classification: Uncertain significance. Last evaluated: 2022-05-04. Review status: criteria provided, single submitter. Criteria: Mendelics Assertion Criteria 2019. Collection method: clinical testing. Allele origin: germline.

Labcorp Genetics (formerly Invitae), Labcorp
Classification: Uncertain significance. Last evaluated: 2022-03-31. Review status: criteria provided, single submitter. Criteria: Invitae Variant Classification Sherloc (09022015). Collection method: clinical testing. Allele origin: germline.
Comment: In summary, the available evidence is currently insufficient to determine the role of this variant in disease. Therefore, it has been classified as a Variant of Uncertain Significance. Advanced modeling of protein sequence and biophysical properties (such as structural, functional, and spatial information, amino acid conservation, physicochemical variation, residue mobility, and thermodynamic stability) performed at Invitae indicates that this missense variant is not expected to disrupt COL9A3 protein function. This variant has not been reported in the literature in individuals affected with COL9A3-related conditions. This variant is not present in population databases (gnomAD no frequency). This sequence change replaces serine, which is neutral and polar, with arginine, which is basic and polar, at codon 297 of the COL9A3 protein (p.Ser297Arg).